The following is an entry in ClinVar:

ClinVar aggregate classification (germline): Pathogenic (1 of 4 stars; one submission).

Conditions:
Adams-Oliver syndrome 5 (AOS5). Identifiers: Orphanet 974, MedGen C4014970, MONDO:0014459, OMIM 616028.

Submission:

Labcorp Genetics (formerly Invitae), Labcorp
Classification: Pathogenic for Adams-Oliver syndrome 5. Last evaluated: 2024-03-21. Review status: criteria provided, single submitter. Criteria: Invitae Variant Classification Sherloc (09022015). Collection method: clinical testing. Allele origin: germline.
Comment: This sequence change creates a premature translational stop signal (p.Gly1772Alafs*26) in the NOTCH1 gene. It is expected to result in an absent or disrupted protein product. Loss-of-function variants in NOTCH1 are known to be pathogenic (PMID: 16025100, 21457232, 25132448, 25963545, 32720365, 33630301). This variant is not present in population databases (gnomAD no frequency). This variant has not been reported in the literature in individuals affected with NOTCH1-related conditions. For these reasons, this variant has been classified as Pathogenic.

Literature cited by the submitters: PubMed 16025100; PubMed 21457232; PubMed 25132448; PubMed 25963545; PubMed 32720365; PubMed 33630301.

NM_017617.5(NOTCH1):c.5315del (p.Gly1772fs)

Gene: NOTCH1 (notch receptor 1; minus strand). Cytogenetic location: 9q34.3.
Variant type: Deletion.
Coding change: c.5315del on transcript NM_017617.5 (MANE Select); coding-DNA position 5315, one base deleted (G; older notation c.5315delG).
Protein change: p.Gly1772fs; shifts the reading frame from glycine 1772.
Molecular consequence: frameshift variant.
Genome position (GRCh38, 1-based): chr9:136,502,341, C deleted on the plus strand (G on the coding strand, the reverse complement: NOTCH1 is on the minus strand); the first of 3 consecutive C bases (chr9:136,502,341-136,502,343); deleting any one gives the same sequence. VCF-style (leftmost placement, unchanged base first): chr9-136502340-GC-G. GRCh37 (hg19) VCF-style: chr9-139396792-GC-G.
Other names: short protein forms G1772fs.
Identifiers: ClinVar variation 3647160 (VCV003647160.2).